The following is an entry in ClinVar:

ClinVar aggregate classification (germline): Uncertain significance (1 of 4 stars; one submission).

Conditions:
Developmental delay, hypotonia, musculoskeletal defects, and behavioral abnormalities. Identifiers: MedGen C5562012, MONDO:0859202, OMIM 619595.
Floating-Harbor syndrome (FLHS). Also called: SRCAP-Related Floating-Harbor Syndrome; Short stature with delayed bone age, expressive language delay, a triangular face with a prominent nose and deep-set eyes; Pelletier-Leisti syndrome. Identifiers: Orphanet 2044, MedGen C0729582, MONDO:0007621, OMIM 136140.

Submission:

Juno Genomics, Hangzhou Juno Genomics, Inc
Classification: Uncertain significance for Developmental delay, hypotonia, musculoskeletal defects, and behavioral abnormalities; Floating-Harbor syndrome. Review status: criteria provided, single submitter. Criteria: ACMG Guidelines, 2015. Collection method: clinical testing. Allele origin: germline.
Comment: Absent from controls (or at extremely low frequency if recessive) in Genome Aggregation Database.;Null variant in a gene where loss of function (LOF) is a known mechanism of disease.

NM_006662.3(SRCAP):c.3073C>T (p.Arg1025Ter)

Gene: SRCAP (Snf2 related CREBBP activator protein; plus strand). Cytogenetic location: 16p11.2.
Variant type: single nucleotide variant.
Coding change: c.3073C>T on transcript NM_006662.3 (MANE Select); coding-DNA position 3073, C replaced by T.
Protein change: p.Arg1025Ter; replaces arginine 1025 with a stop codon.
Molecular consequence: nonsense.
Genome position (GRCh38, 1-based): chr16:30,720,798, C>T. VCF-style: chr16-30720798-C-T. GRCh37 (hg19) VCF-style: chr16-30732119-C-T.
Other names: short protein forms R1025*.
Identifiers: ClinVar variation 5019695 (VCV005019695.2).
Genomic context (GRCh38, chr16:30,720,798, plus strand): 5'-GAAGGCCGGACAGTGGTGGTGGTGAACAACCCACGGGCGCCCCTGGGCCCTGTCCCAGTT[C>T]GACCTCCTCCAGGTCCTGAGCTCTCAGCCCAGCCCACCCCTGGCCCAGTCCCCCAAGTGC-3'